The following is an entry in ClinVar:

ClinVar aggregate classification (germline): Uncertain significance (1 of 4 stars; one submission).

Conditions:
Aicardi-Goutieres syndrome 7 (AGS7). Identifiers: Orphanet 51, MedGen C3888244, MONDO:0014367, OMIM 615846.
Singleton-Merten syndrome 1 (SGMRT1). Also called: Widened medullary cavities of bone, aortic calcification, abnormal dentition, and muscular weakness; Syndrome of widened medullary cavities of the metacarpals and phalanges, aortic calcification and abnormal dentition. Identifiers: Orphanet 85191, MedGen C4225427, MONDO:0024535, OMIM 182250.

Submission:

Labcorp Genetics (formerly Invitae), Labcorp
Classification: Uncertain significance for Aicardi-Goutieres syndrome 7; Singleton-Merten syndrome 1. Last evaluated: 2022-07-12. Review status: criteria provided, single submitter. Criteria: Invitae Variant Classification Sherloc (09022015). Collection method: clinical testing. Allele origin: germline.
Comment: This sequence change replaces glutamic acid, which is acidic and polar, with lysine, which is basic and polar, at codon 924 of the IFIH1 protein (p.Glu924Lys). This variant is not present in population databases (gnomAD no frequency). This variant has not been reported in the literature in individuals affected with IFIH1-related conditions. ClinVar contains an entry for this variant (Variation ID: 1391337). Algorithms developed to predict the effect of missense changes on protein structure and function are either unavailable or do not agree on the potential impact of this missense change (SIFT: "Tolerated"; PolyPhen-2: "Probably Damaging"; Align-GVGD: "Class C0"). In summary, the available evidence is currently insufficient to determine the role of this variant in disease. Therefore, it has been classified as a Variant of Uncertain Significance.

NM_022168.4(IFIH1):c.2770G>A (p.Glu924Lys)

Gene: IFIH1 (interferon induced with helicase C domain 1; minus strand). Cytogenetic location: 2q24.2.
Variant type: single nucleotide variant.
Coding change: c.2770G>A on transcript NM_022168.4 (MANE Select); coding-DNA position 2770, G replaced by A.
Protein change: p.Glu924Lys; replaces glutamic acid 924 with lysine.
Molecular consequence: missense variant.
Genome position (GRCh38, 1-based): chr2:162,268,124, C>T on the plus strand (G>A on the coding strand, the complement: IFIH1 is on the minus strand). VCF-style: chr2-162268124-C-T. GRCh37 (hg19) VCF-style: chr2-163124634-C-T.
Other names: short protein forms E924K.
Identifiers: ClinVar variation 1391337 (VCV001391337.6), dbSNP rs2105187737, ClinGen allele CA348990741.